The following is an entry in ClinVar:

NM_001447.3(FAT2):c.4601T>C (p.Ile1534Thr)

Genes: FAT2 (FAT atypical cadherin 2; minus strand), SLC36A1 (solute carrier family 36 member 1; plus strand). Cytogenetic location: 5q33.1.
Variant type: single nucleotide variant.
Coding change: c.4601T>C on transcript NM_001447.3 (MANE Select); coding-DNA position 4601, T replaced by C.
Protein change: p.Ile1534Thr; replaces isoleucine 1534 with threonine.
Molecular consequence: missense variant.
Genome position (GRCh38, 1-based): chr5:151,549,483, A>G on the plus strand (T>C on the coding strand, the complement: FAT2 is on the minus strand). VCF-style: chr5-151549483-A-G. GRCh37 (hg19) VCF-style: chr5-150929044-A-G.
Other names: c.4601T>C (NM_001447.2); short protein forms I1534T.
Identifiers: ClinVar variation 3019098 (VCV003019098.4), dbSNP rs1034213539, ClinGen allele CA129965010.

ClinVar aggregate classification (germline): Uncertain significance. Review status: criteria provided, multiple submitters, no conflicts (2 of 4 stars). 2 submissions from 2 submitters: Uncertain significance (2). Last evaluated 2025-11-24.

Allele frequency attached by ClinVar (database versions not stated): gnomAD exomes below 0.00001.
gnomAD v4.1: 3 of 1,614,158 alleles (0.00019%); highest among the groups gnomAD compares: Non-Finnish European, 0.00025%; no homozygotes.

Submissions (2):

Labcorp Genetics (formerly Invitae), Labcorp
Classification: Uncertain significance. Last evaluated: 2025-11-24. Review status: criteria provided, single submitter. Criteria: Invitae Variant Classification Sherloc (09022015). Collection method: clinical testing. Allele origin: germline.
Comment: This sequence change replaces isoleucine, which is neutral and non-polar, with threonine, which is neutral and polar, at codon 1534 of the FAT2 protein (p.Ile1534Thr). This variant is not present in population databases (gnomAD no frequency). This variant has not been reported in the literature in individuals affected with FAT2-related conditions. ClinVar contains an entry for this variant (Variation ID: 3019098). An algorithm developed to predict the effect of missense changes on protein structure and function (PolyPhen-2) suggests that this variant is likely to be disruptive. In summary, the available evidence is currently insufficient to determine the role of this variant in disease. Therefore, it has been classified as a Variant of Uncertain Significance.

Ambry Genetics
Classification: Uncertain significance. Last evaluated: 2025-03-18. Review status: criteria provided, single submitter. Criteria: Ambry Variant Classification Scheme 2023. Collection method: clinical testing. Allele origin: germline.